The following is an entry in ClinVar:

NM_001040142.2(SCN2A):c.3977T>C (p.Val1326Ala)

Gene: SCN2A (sodium voltage-gated channel alpha subunit 2; plus strand). Cytogenetic location: 2q24.3.
Variant type: single nucleotide variant.
Coding change: c.3977T>C on transcript NM_001040142.2 (MANE Select); coding-DNA position 3977, T replaced by C.
Protein change: p.Val1326Ala; replaces valine 1326 with alanine.
Molecular consequence: missense variant.
Genome position (GRCh38, 1-based): chr2:165,374,689, T>C. VCF-style: chr2-165374689-T-C. GRCh37 (hg19) VCF-style: chr2-166231199-T-C.
Other names: c.3977T>C, p.Val1326Ala (NM_001040143.2, NM_001371246.1, NM_001371247.1 and 1 more transcripts); short protein forms V1326A.
Identifiers: ClinVar variation 2306868 (VCV002306868.4), dbSNP rs796053131, ClinGen allele CA349030181.

ClinVar aggregate classification (germline): Conflicting classifications of pathogenicity. Review status: criteria provided, conflicting classifications (1 of 4 stars). 2 submissions from 2 submitters: Likely pathogenic (1); Uncertain significance (1). Last evaluated 2024-04-05.

Conditions:
Inborn genetic diseases. Identifiers: MedGen C0950123, MeSH D030342.
Seizures, benign familial infantile, 3 (BFIS3). Also called: Familial neonatal seizures; CONVULSIONS, BENIGN FAMILIAL INFANTILE, 3. Identifiers: Orphanet 140927, Orphanet 306, MedGen C1843140, MONDO:0011904, OMIM 607745.
Developmental and epileptic encephalopathy, 11 (DEE11). Also called: Early infantile epileptic encephalopathy 11. Identifiers: Orphanet 1934, MedGen C3150987, MONDO:0013388, OMIM 613721.

Submissions (2):

Labcorp Genetics (formerly Invitae), Labcorp
Classification: Likely pathogenic for Seizures, benign familial infantile, 3; Developmental and epileptic encephalopathy, 11. Last evaluated: 2024-04-05. Review status: criteria provided, single submitter. Criteria: Invitae Variant Classification Sherloc (09022015). Collection method: clinical testing. Allele origin: germline.
Comment: This sequence change replaces valine, which is neutral and non-polar, with alanine, which is neutral and non-polar, at codon 1326 of the SCN2A protein (p.Val1326Ala). This variant is not present in population databases (gnomAD no frequency). This missense change has been observed in individual(s) with developmental and epileptic encephalopathy (Invitae). ClinVar contains an entry for this variant (Variation ID: 2306868). Advanced modeling of protein sequence and biophysical properties (such as structural, functional, and spatial information, amino acid conservation, physicochemical variation, residue mobility, and thermodynamic stability) performed at Invitae indicates that this missense variant is expected to disrupt SCN2A protein function with a positive predictive value of 95%. This variant disrupts the p.Val1326 amino acid residue in SCN2A. Other variant(s) that disrupt this residue have been observed in individuals with SCN2A-related conditions (PMID: 23935176, 23988467; Invitae), which suggests that this may be a clinically significant amino acid residue. In summary, the currently available evidence indicates that the variant is pathogenic, but additional data are needed to prove that conclusively. Therefore, this variant has been classified as Likely Pathogenic.

Ambry Genetics
Classification: Uncertain significance for Inborn genetic diseases. Last evaluated: 2022-08-12. Review status: criteria provided, single submitter. Criteria: Ambry Variant Classification Scheme 2023. Collection method: clinical testing. Allele origin: germline.

Literature cited by the submitters: PubMed 23935176 (cited by Labcorp Genetics (formerly Invitae), Labcorp); PubMed 23988467 (cited by Labcorp Genetics (formerly Invitae), Labcorp).